The following is an entry in ClinVar:

NM_006269.2(RP1):c.310T>C (p.Tyr104His)

Gene: RP1 (RP1 axonemal microtubule associated; plus strand). Cytogenetic location: 8q12.1.
Variant type: single nucleotide variant.
Coding change: c.310T>C on transcript NM_006269.2 (MANE Select); coding-DNA position 310, T replaced by C.
Protein change: p.Tyr104His; replaces tyrosine 104 with histidine.
Molecular consequence: missense variant.
Genome position (GRCh38, 1-based): chr8:54,621,276, T>C. VCF-style: chr8-54621276-T-C. GRCh37 (hg19) VCF-style: chr8-55533836-T-C.
Other names: c.310T>C, p.Tyr104His (NM_001375654.1); short protein forms Y104H.
Identifiers: ClinVar variation 871847 (VCV000871847.45), dbSNP rs1805857839, ClinGen allele CA370986251.
Genomic context (GRCh38, chr8:54,621,276, plus strand): 5'-AGCACCCCTCGGGGCAGGCACAGCATCACGCGCCTGGAGGAGCTGGAGGACGGCGAGTCC[T>C]ACCTATGTTCCCACGGCAGGAAGGTGCAGCCTGTAGACCTGGACAAAGCCCGTCGGCGCC-3'
Protein context (NP_006260.1, residues 94-114): RLEELEDGES[Tyr104His]LCSHGRKVQP

ClinVar aggregate classification (germline): Uncertain significance. Review status: criteria provided, multiple submitters, no conflicts (2 of 4 stars). 2 submissions from 2 submitters: Uncertain significance (2). Last evaluated 2021-12-23.

Submissions (2):

Labcorp Genetics (formerly Invitae), Labcorp
Classification: Uncertain significance. Last evaluated: 2021-12-23. Review status: criteria provided, single submitter. Criteria: Invitae Variant Classification Sherloc (09022015). Collection method: clinical testing. Allele origin: germline.
Comment: This sequence change replaces tyrosine, which is neutral and polar, with histidine, which is basic and polar, at codon 104 of the RP1 protein (p.Tyr104His). This variant is not present in population databases (gnomAD no frequency). This missense change has been observed in individual(s) with autosomal recessive retinitis pigmentosa (PMID: 31047384, 32783370). In at least one individual the data is consistent with being in trans (on the opposite chromosome) from a pathogenic variant. ClinVar contains an entry for this variant (Variation ID: 871847). Algorithms developed to predict the effect of missense changes on protein structure and function (SIFT, PolyPhen-2, Align-GVGD) all suggest that this variant is likely to be disruptive. In summary, the available evidence is currently insufficient to determine the role of this variant in disease. Therefore, it has been classified as a Variant of Uncertain Significance.

CeGaT Center for Human Genetics Tuebingen
Classification: Uncertain significance. Last evaluated: 2019-08-01. Review status: criteria provided, single submitter. Criteria: CeGaT Center For Human Genetics Tuebingen Variant Classification Criteria Version 2. Collection method: clinical testing. Allele origin: germline. Affected: yes. Observed: 1 variant allele.

Literature cited by the submitters: PubMed 31047384 (cited by Labcorp Genetics (formerly Invitae), Labcorp); PubMed 32783370 (cited by Labcorp Genetics (formerly Invitae), Labcorp).